The following is an entry in ClinVar:

NM_000038.6(APC):c.1880A>G (p.Asn627Ser)

Gene: APC (APC regulator of Wnt signaling pathway; plus strand). Cytogenetic location: 5q22.2.
Variant type: single nucleotide variant.
Coding change: c.1880A>G on transcript NM_000038.6 (MANE Select); coding-DNA position 1880, A replaced by G.
Protein change: p.Asn627Ser; replaces asparagine 627 with serine.
Molecular consequence: missense variant.
Genome position (GRCh38, 1-based): chr5:112,835,087, A>G. VCF-style: chr5-112835087-A-G. GRCh37 (hg19) VCF-style: chr5-112170784-A-G.
Other names: c.1880A>G, p.Asn627Ser (NM_001127510.3, NM_001354895.2); c.1826A>G, p.Asn609Ser (NM_001127511.3); c.1934A>G, p.Asn645Ser (NM_001354896.2); c.1910A>G, p.Asn637Ser (NM_001354897.2); c.1805A>G, p.Asn602Ser (NM_001354898.2); c.1796A>G, p.Asn599Ser (NM_001354899.2); c.1757A>G, p.Asn586Ser (NM_001354900.2); c.1703A>G, p.Asn568Ser (NM_001354901.2); and 5 more; short protein forms N609S, N627S, N645S, N501S, N536S, N568S, N602S, N637S.
Identifiers: ClinVar variation 572572 (VCV000572572.14), dbSNP rs1561569016, ClinGen allele CA16025430.

ClinVar aggregate classification (germline): Uncertain significance. Review status: criteria provided, multiple submitters, no conflicts (2 of 4 stars). 3 submissions from 3 submitters: Uncertain significance (3). Last evaluated 2024-07-09.

Conditions:
Familial adenomatous polyposis 1 (FAP1). Also called: POLYPOSIS, ADENOMATOUS INTESTINAL; FAMILIAL ADENOMATOUS POLYPOSIS 1, ATTENUATED. Identifiers: MedGen C2713442, MONDO:0021056, OMIM 175100. Disease mechanism: loss of function.
Hereditary cancer-predisposing syndrome. Also called: Neoplastic Syndromes, Hereditary; Hereditary Cancer Syndrome; Tumor predisposition; Hereditary neoplastic syndrome. Identifiers: Orphanet 140162, MedGen C0027672, MeSH D009386, MONDO:0015356.

Submissions (3):

Labcorp Genetics (formerly Invitae), Labcorp
Classification: Uncertain significance for Familial adenomatous polyposis 1. Last evaluated: 2024-07-09. Review status: criteria provided, single submitter. Criteria: Invitae Variant Classification Sherloc (09022015). Collection method: clinical testing. Allele origin: germline.
Comment: This sequence change replaces asparagine, which is neutral and polar, with serine, which is neutral and polar, at codon 627 of the APC protein (p.Asn627Ser). This variant is not present in population databases (gnomAD no frequency). This variant has not been reported in the literature in individuals affected with APC-related conditions. ClinVar contains an entry for this variant (Variation ID: 572572). Advanced modeling of protein sequence and biophysical properties (such as structural, functional, and spatial information, amino acid conservation, physicochemical variation, residue mobility, and thermodynamic stability) performed at Invitae indicates that this missense variant is not expected to disrupt APC protein function with a negative predictive value of 95%. In summary, the available evidence is currently insufficient to determine the role of this variant in disease. Therefore, it has been classified as a Variant of Uncertain Significance.

Color Diagnostics, LLC DBA Color Health
Classification: Uncertain significance for Hereditary cancer-predisposing syndrome. Last evaluated: 2024-03-06. Review status: criteria provided, single submitter. Criteria: ACMG Guidelines, 2015. Collection method: clinical testing. Allele origin: germline.
Comment: This missense variant replaces asparagine with serine at codon 627 of the APC protein. Computational prediction is inconclusive regarding the impact of this variant on protein structure and function (internally defined REVEL score threshold 0.5 < inconclusive < 0.7, PMID: 27666373). To our knowledge, functional studies have not been reported for this variant. This variant has not been reported in individuals affected with hereditary cancer in the literature. This variant has not been identified in the general population by the Genome Aggregation Database (gnomAD). The available evidence is insufficient to determine the role of this variant in disease conclusively. Therefore, this variant is classified as a Variant of Uncertain Significance.

Ambry Genetics
Classification: Uncertain significance for Hereditary cancer-predisposing syndrome. Last evaluated: 2021-03-10. Review status: criteria provided, single submitter. Criteria: Ambry Variant Classification Scheme 2023. Collection method: clinical testing. Allele origin: germline.
Comment: The p.N627S variant (also known as c.1880A>G), located in coding exon 14 of the APC gene, results from an A to G substitution at nucleotide position 1880. The asparagine at codon 627 is replaced by serine, an amino acid with highly similar properties. This amino acid position is highly conserved in available vertebrate species. In addition, in silico predictors for this gene do not accurately predict pathogenicity. Since supporting evidence is limited at this time, the clinical significance of this alteration remains unclear.